The following is an entry in ClinVar:

ClinVar aggregate classification (germline): Likely benign (1 of 4 stars; one submission).

Allele frequency attached by ClinVar (database versions not stated): TOPMed below 0.00001; gnomAD 0.00001; ESP Exome Variant Server 0.00008; 1000 Genomes Project 0.00020; 1000 Genomes Project 30x 0.00031.
gnomAD v4.1: 94 of 1,613,654 alleles (0.0058%); highest among the groups gnomAD compares: South Asian, 0.071%; no homozygotes.

Submission:

CeGaT Center for Human Genetics Tuebingen
Classification: Likely benign. Last evaluated: 2023-01-01. Review status: criteria provided, single submitter. Criteria: CeGaT Center For Human Genetics Tuebingen Variant Classification Criteria Version 2. Collection method: clinical testing. Allele origin: germline. Affected: yes. Observed: 1 variant allele.
Comment: RALGDS: BP4, BP7

NM_006266.4(RALGDS):c.1218G>A (p.Val406=)

Gene: RALGDS (ral guanine nucleotide dissociation stimulator; minus strand). Cytogenetic location: 9q34.2.
Variant type: single nucleotide variant.
Coding change: c.1218G>A on transcript NM_006266.4 (MANE Select); coding-DNA position 1218, G replaced by A.
Protein change: p.Val406=; no amino-acid change (valine 406 retained).
Molecular consequence: synonymous variant.
Genome position (GRCh38, 1-based): chr9:133,107,280, C>T on the plus strand (G>A on the coding strand, the complement: RALGDS is on the minus strand). VCF-style: chr9-133107280-C-T. GRCh37 (hg19) VCF-style: chr9-135982667-C-T.
Other names: c.1053G>A, p.Val351= (NM_001042368.3); c.1131G>A, p.Val377= (NM_001271774.2); c.1215G>A, p.Val405= (NM_001271775.2); c.1182G>A, p.Val394= (NM_001271776.2).
Identifiers: ClinVar variation 2659689 (VCV002659689.24), dbSNP rs368420692, ClinGen allele CA5304496.
Genomic context (GRCh38, chr9:133,107,280, plus strand): 5'-CAGGTGCTCCTTGCCCTTCTTGTCCCGCTGGGACCAGATGGAGCCCAGGCAGTGGTAGGG[C>T]ACCACCTTCTTGAACAGTTCCTGGGGAGGAGGCTAAATGTCACCTGGTCCTGCCCCAGCA-3'
Protein context (NP_006257.1, residues 396-416): LMDAELFKKV[Val406=]PYHCLGSIWS